The following is an entry in ClinVar:

NM_014254.3(RXYLT1):c.1202C>T (p.Thr401Ile)

Genes: RXYLT1 (ribitol xylosyltransferase 1; plus strand), RXYLT1-AS1 (RXYLT1 antisense RNA 1; minus strand). Cytogenetic location: 12q14.2.
Variant type: single nucleotide variant.
Coding change: c.1202C>T on transcript NM_014254.3 (MANE Select); coding-DNA position 1202, C replaced by T.
Protein change: p.Thr401Ile; replaces threonine 401 with isoleucine.
Molecular consequence: missense variant.
Genome position (GRCh38, 1-based): chr12:63,808,962, C>T. VCF-style: chr12-63808962-C-T. GRCh37 (hg19) VCF-style: chr12-64202742-C-T.
Other names: c.422C>T, p.Thr141Ile (NM_001278237.2); short protein forms T401I, T141I.
Identifiers: ClinVar variation 841255 (VCV000841255.8), dbSNP rs202056995, ClinGen allele CA6666260.
Genomic context (GRCh38, chr12:63,808,962, plus strand): 5'-CTCCCTTTATCTTTATCAAGAACTGGAAGGAACTCCCTGCTGTTTTAGAAAAAGAGAAAA[C>T]TATAATTTTACAAGAAAAAATTGAAAGAAGAAAAATGTTACTTCAGTGGTATCAGCACTT-3'
Protein context (NP_055069.1, residues 391-411): ELPAVLEKEK[Thr401Ile]IILQEKIERR

ClinVar aggregate classification (germline): Uncertain significance (1 of 4 stars; one submission).

Allele frequency attached by ClinVar (database versions not stated): TOPMed 0.00003; gnomAD 0.00004 and 0.00006; ExAC 0.00011; gnomAD exomes 0.00012; 1000 Genomes Project 30x 0.00078; 1000 Genomes Project 0.00080.

Submission:

Labcorp Genetics (formerly Invitae), Labcorp
Classification: Uncertain significance. Last evaluated: 2025-08-17. Review status: criteria provided, single submitter. Criteria: Invitae Variant Classification Sherloc (09022015). Collection method: clinical testing. Allele origin: germline.
Comment: This sequence change replaces threonine, which is neutral and polar, with isoleucine, which is neutral and non-polar, at codon 401 of the RXYLT1 protein (p.Thr401Ile). This variant is present in population databases (rs202056995, gnomAD 0.1%). This variant has not been reported in the literature in individuals affected with RXYLT1-related conditions. ClinVar contains an entry for this variant (Variation ID: 841255). Invitae Evidence Modeling of protein sequence and biophysical properties (such as structural, functional, and spatial information, amino acid conservation, physicochemical variation, residue mobility, and thermodynamic stability) indicates that this missense variant is not expected to disrupt RXYLT1 protein function with a negative predictive value of 80%. In summary, the available evidence is currently insufficient to determine the role of this variant in disease. Therefore, it has been classified as a Variant of Uncertain Significance.